The following is an entry in ClinVar:

NC_000023.10:g.(32381076_32382698)_(32382828_32383136)dup

Gene: DMD (dystrophin; minus strand). Cytogenetic location: Xp21.1.
Variant type: Duplication.
Identifiers: ClinVar variation 2682403 (VCV002682403.1).

ClinVar aggregate classification (germline): Uncertain significance (1 of 4 stars; one submission).

Submission:

Women's Health and Genetics/Laboratory Corporation of America, LabCorp
Classification: Uncertain significance. Last evaluated: 2023-11-08. Review status: criteria provided, single submitter. Criteria: LabCorp Variant Classification Summary - May 2015. Collection method: clinical testing. Allele origin: germline.
Comment: Variant summary: The variant involves the duplication of exon 36 in the DMD gene. A presumed nomenclature of c.(5025+1_5026-1)_(5154+1_5155-1)dup has been designated for the purposes of this classification. It is assumed to be a tandem duplication in direct orientation (Richardson_GIM_2018, Newman_AJHG_2015). This Copy Number Variant (CNV) is predicted to result in an in-frame duplication within this gene. The variant was absent in 16120 control chromosomes. The available data on variant occurrences in the general population are insufficient to allow any conclusion about variant significance. c.(5025+1_5026-1)_(5154+1_5155-1)dup has been reported in the literature in at least one individual affected with Dystrophinopathies (Li_2015). These data do not allow any conclusion about variant significance. To our knowledge, no experimental evidence demonstrating an impact on protein function has been reported. The following publication have been ascertained in the context of this evaluation (PMID: 25612904). No submitters have cited clinical-significance assessments for this variant to ClinVar after 2014. Based on the evidence outlined above, the variant was classified as uncertain significance.

Literature cited by the submitters: PubMed 25612904.